The following is an entry in ClinVar:

NM_004444.5(EPHB4):c.1643G>A (p.Gly548Asp)

Gene: EPHB4 (EPH receptor B4; minus strand). Cytogenetic location: 7q22.1.
Variant type: single nucleotide variant.
Coding change: c.1643G>A on transcript NM_004444.5 (MANE Select); coding-DNA position 1643, G replaced by A.
Protein change: p.Gly548Asp; replaces glycine 548 with aspartic acid.
Molecular consequence: missense variant.
Genome position (GRCh38, 1-based): chr7:100,813,967, C>T on the plus strand (G>A on the coding strand, the complement: EPHB4 is on the minus strand). VCF-style: chr7-100813967-C-T. GRCh37 (hg19) VCF-style: chr7-100411589-C-T.
Other names: short protein forms G548D.
Identifiers: ClinVar variation 3224273 (VCV003224273.1), dbSNP rs370425633, ClinGen allele CA368571796.

ClinVar aggregate classification (germline): Uncertain significance (1 of 4 stars; one submission).

Conditions:
Cardiovascular phenotype. Identifiers: MedGen CN230736.

Submission:

Ambry Genetics
Classification: Uncertain significance for Cardiovascular phenotype. Last evaluated: 2023-11-10. Review status: criteria provided, single submitter. Criteria: Ambry Variant Classification Scheme 2023. Collection method: clinical testing. Allele origin: germline.
Comment: The p.G548D variant (also known as c.1643G>A), located in coding exon 9 of the EPHB4 gene, results from a G to A substitution at nucleotide position 1643. The glycine at codon 548 is replaced by aspartic acid, an amino acid with similar properties. This amino acid position is conserved. In addition, the in silico prediction for this alteration is inconclusive. Since supporting evidence is limited at this time, the clinical significance of this alteration remains unclear.